The following is an entry in ClinVar:

NM_000215.4(JAK3):c.1701G>A (p.Glu567=)

Gene: JAK3 (Janus kinase 3; minus strand). Cytogenetic location: 19p13.11.
Variant type: single nucleotide variant.
Coding change: c.1701G>A on transcript NM_000215.4 (MANE Select); coding-DNA position 1701, G replaced by A.
Protein change: p.Glu567=; no amino-acid change (glutamic acid 567 retained).
Molecular consequence: synonymous variant.
Genome position (GRCh38, 1-based): chr19:17,837,932, C>T on the plus strand (G>A on the coding strand, the complement: JAK3 is on the minus strand). VCF-style: chr19-17837932-C-T. GRCh37 (hg19) VCF-style: chr19-17948741-C-T.
Other names: c.1701G>A, p.Glu567= (NM_001440439.1).
Identifiers: ClinVar variation 4688801 (VCV004688801.1).

ClinVar aggregate classification (germline): Uncertain significance (1 of 4 stars; one submission).

Submission:

Women's Health and Genetics/Laboratory Corporation of America, LabCorp
Classification: Uncertain significance. Last evaluated: 2025-12-31. Review status: criteria provided, single submitter. Criteria: LabCorp Variant Classification Summary - May 2015. Collection method: clinical testing. Allele origin: germline.
Comment: Variant summary: JAK3 c.1701G>A (p.Glu567Glu) alters a conserved nucleotide located close to a canonical splice site and therefore could affect mRNA splicing, leading to a significantly altered protein sequence. Several computational tools predict a significant impact on normal splicing: Three predict the variant weakens a 5' donor site. One predict the variant abolishes a 5' splicing donor site. However, these predictions have yet to be confirmed by functional studies. The variant was absent in 251490 control chromosomes. The available data on variant occurrences in the general population are insufficient to allow any conclusion about variant significance. To our knowledge, no occurrence of c.1701G>A in individuals affected with JAK3-related conditions and no experimental evidence demonstrating its impact on protein function have been reported. No submitters have cited clinical-significance assessments for this variant to ClinVar. Based on the evidence outlined above, the variant was classified as uncertain significance.